The following is an entry in ClinVar:

ClinVar aggregate classification (germline): Uncertain significance. Review status: criteria provided, multiple submitters, no conflicts (2 of 4 stars). 2 submissions from 2 submitters: Uncertain significance (2). Last evaluated 2024-02-05.

Conditions:
Autosomal recessive limb-girdle muscular dystrophy type R18 (LGMDR18). Also called: MUSCULAR DYSTROPHY, LIMB-GIRDLE, AUTOSOMAL RECESSIVE 18; Autosomal recessive limb-girdle muscular dystrophy type 2S; Limb-girdle muscular dystrophy, type 2S. Identifiers: Orphanet 369840, MedGen C4517996, MONDO:0014144, OMIM 615356.

Allele frequency attached by ClinVar (database versions not stated): gnomAD 0.00001 and 0.00002; TOPMed 0.00003; ExAC 0.00004; gnomAD exomes 0.00004 and 0.00006; ESP Exome Variant Server 0.00008; 1000 Genomes Project 30x 0.00016; 1000 Genomes Project 0.00020.
gnomAD v4.1: 86 of 1,569,932 alleles (0.0055%); highest among the groups gnomAD compares: Middle Eastern, 0.14%; 1 homozygote.

Submissions (2):

Women's Health and Genetics/Laboratory Corporation of America, LabCorp
Classification: Uncertain significance. Last evaluated: 2024-02-05. Review status: criteria provided, single submitter. Criteria: LabCorp Variant Classification Summary - May 2015. Collection method: clinical testing. Allele origin: germline.

Labcorp Genetics (formerly Invitae), Labcorp
Classification: Uncertain significance for Autosomal recessive limb-girdle muscular dystrophy type R18. Last evaluated: 2021-08-30. Review status: criteria provided, single submitter. Criteria: Invitae Variant Classification Sherloc (09022015). Collection method: clinical testing. Allele origin: germline.
Comment: This sequence change falls in intron 27 of the TRAPPC11 gene. It does not directly change the encoded amino acid sequence of the TRAPPC11 protein. It affects a nucleotide within the consensus splice site of the intron. This variant is present in population databases (rs373854277, ExAC 0.03%). This variant has not been reported in the literature in individuals affected with TRAPPC11-related conditions. Variants that disrupt the consensus splice site are a relatively common cause of aberrant splicing (PMID: 17576681, 9536098). Algorithms developed to predict the effect of sequence changes on RNA splicing suggest that this variant is not likely to affect RNA splicing. In summary, the available evidence is currently insufficient to determine the role of this variant in disease. Therefore, it has been classified as a Variant of Uncertain Significance.

Literature cited by the submitters: PubMed 17576681 (cited by Labcorp Genetics (formerly Invitae), Labcorp); PubMed 9536098 (cited by Labcorp Genetics (formerly Invitae), Labcorp).

NM_021942.6(TRAPPC11):c.3055+6G>A

Gene: TRAPPC11 (trafficking protein particle complex subunit 11; plus strand). Cytogenetic location: 4q35.1.
Variant type: single nucleotide variant.
Coding change: c.3055+6G>A on transcript NM_021942.6 (MANE Select); 6 bases into the intron after coding-DNA position 3055, G replaced by A.
Molecular consequence: intron variant.
Genome position (GRCh38, 1-based): chr4:183,705,076, G>A. VCF-style: chr4-183705076-G-A. GRCh37 (hg19) VCF-style: chr4-184626229-G-A.
Other names: c.3055+6G>A (NM_199053.3).
Identifiers: ClinVar variation 864498 (VCV000864498.8), dbSNP rs373854277, ClinGen allele CA3152423.
Genomic context (GRCh38, chr4:183,705,076, plus strand): 5'-GTCATCACTCTGCCGCACGTGATTGTGGAGAATATCCCTCTCCATGTGAATGCAGGTAGC[G>A]GAATTCAAATTTTACTTGATAAGAAGGACCCAATAATAATAGTTATTTTAACCTCTAAGA-3'